The following is an entry in ClinVar:

ClinVar aggregate classification (germline): Uncertain significance (1 of 4 stars; one submission).

Allele frequency attached by ClinVar (database versions not stated): gnomAD exomes below 0.00001.
gnomAD v4.1: 1 of 1,614,120 alleles (0.000062%); highest among the groups gnomAD compares: South Asian, 0.0011%; no homozygotes.

Submission:

Labcorp Genetics (formerly Invitae), Labcorp
Classification: Uncertain significance. Last evaluated: 2024-07-04. Review status: criteria provided, single submitter. Criteria: Invitae Variant Classification Sherloc (09022015). Collection method: clinical testing. Allele origin: germline.
Comment: This sequence change replaces leucine, which is neutral and non-polar, with glutamine, which is neutral and polar, at codon 1231 of the SETBP1 protein (p.Leu1231Gln). This variant is not present in population databases (gnomAD no frequency). This variant has not been reported in the literature in individuals affected with SETBP1-related conditions. ClinVar contains an entry for this variant (Variation ID: 1928388). Advanced modeling of protein sequence and biophysical properties (such as structural, functional, and spatial information, amino acid conservation, physicochemical variation, residue mobility, and thermodynamic stability) performed at Invitae indicates that this missense variant is not expected to disrupt SETBP1 protein function with a negative predictive value of 80%. In summary, the available evidence is currently insufficient to determine the role of this variant in disease. Therefore, it has been classified as a Variant of Uncertain Significance.

NM_015559.3(SETBP1):c.3692T>A (p.Leu1231Gln)

Gene: SETBP1 (SET binding protein 1; plus strand). Cytogenetic location: 18q12.3.
Variant type: single nucleotide variant.
Coding change: c.3692T>A on transcript NM_015559.3 (MANE Select); coding-DNA position 3692, T replaced by A.
Protein change: p.Leu1231Gln; replaces leucine 1231 with glutamine.
Molecular consequence: missense variant.
Genome position (GRCh38, 1-based): chr18:44,953,032, T>A. VCF-style: chr18-44953032-T-A. GRCh37 (hg19) VCF-style: chr18-42532997-T-A.
Other names: c.3692T>A, p.Leu1231Gln (NM_001379141.1, NM_001379142.1, NM_001410862.1); short protein forms L1231Q.
Identifiers: ClinVar variation 1928388 (VCV001928388.5), dbSNP rs2511476928, ClinGen allele CA402324983.